The following is an entry in ClinVar:

ClinVar aggregate classification (germline): Uncertain significance (1 of 4 stars; one submission).

gnomAD v4.1: 2 of 1,614,128 alleles (0.00012%); highest among the groups gnomAD compares: East Asian, 0.0022%; no homozygotes.

Submission:

Dasa
Classification: Uncertain significance. Last evaluated: 2026-02-27. Review status: criteria provided, single submitter. Criteria: DASA Assertion Criteria. Collection method: clinical testing. Allele origin: germline.
Comment: NM_014846.4(WASHC5):c.2555A>G (p.His852Arg) is a missense variant that results in the substitution of histidine with arginine. This variant is rare in population databases. The currently available literature and clinical evidence are not sufficient to establish a definitive association between this variant and the reported condition. Therefore, this variant is classified as a variant of uncertain significance.

NM_014846.4(WASHC5):c.2555A>G (p.His852Arg)

Genes: WASHC5 (WASH complex subunit 5; minus strand), WASHC5-AS1 (WASHC5 antisense RNA 1; plus strand). Cytogenetic location: 8q24.13.
Variant type: single nucleotide variant.
Coding change: c.2555A>G on transcript NM_014846.4 (MANE Select); coding-DNA position 2555, A replaced by G.
Protein change: p.His852Arg; replaces histidine 852 with arginine.
Molecular consequence: missense variant. On other transcripts: non-coding transcript variant (1).
Genome position (GRCh38, 1-based): chr8:125,044,648, T>C on the plus strand (A>G on the coding strand, the complement: WASHC5 is on the minus strand). VCF-style: chr8-125044648-T-C. GRCh37 (hg19) VCF-style: chr8-126056890-T-C.
Other names: c.2111A>G, p.His704Arg (NM_001330609.2); short protein forms H704R, H852R.
Identifiers: ClinVar variation 4885066 (VCV004885066.2).
Genomic context (GRCh38, chr8:125,044,648, plus strand): 5'-CCAAAGGTTCCCAAGGTGGTCTGGATTTCTGAGAAGAGGCGGCTGCTGGTCACTTCCTGA[T>C]GAGTTTTCATATCATACCAAGTGTTCAGCTGGTCTATGTGACATGTCATTCTAAAATGAA-3'
Protein context (NP_055661.3, residues 842-862): QLNTWYDMKT[His852Arg]QEVTSSRLFS